The following is an entry in ClinVar:

ClinVar aggregate classification (germline): Uncertain significance. Review status: criteria provided, multiple submitters, no conflicts (2 of 4 stars). 2 submissions from 2 submitters: Uncertain significance (2). Last evaluated 2025-08-13.

Conditions:
Bifunctional peroxisomal enzyme deficiency (DBIF). Also called: PBFE DEFICIENCY; D-bifunctional protein deficiency; DBP DEFICIENCY. Identifiers: Orphanet 300, MedGen C0342870, MONDO:0009855, OMIM 261515. Disease mechanism: loss of function.
Perrault syndrome. Also called: Gonadal dysgenesis with auditory dysfunction, autosomal recessive inheritance. Identifiers: Orphanet 2855, MedGen C0685838, MONDO:0017312.
Inborn genetic diseases. Identifiers: MedGen C0950123, MeSH D030342.

Allele frequency attached by ClinVar (database versions not stated): gnomAD exomes 0.00001.
gnomAD v4.1: 8 of 1,612,334 alleles (0.0005%); highest among the groups gnomAD compares: Non-Finnish European, 0.00068%; no homozygotes.

Submissions (2):

Ambry Genetics
Classification: Uncertain significance for Inborn genetic diseases. Last evaluated: 2025-08-13. Review status: criteria provided, single submitter. Criteria: Ambry Variant Classification Scheme 2023. Collection method: clinical testing. Allele origin: germline.

Labcorp Genetics (formerly Invitae), Labcorp
Classification: Uncertain significance for Perrault syndrome; Bifunctional peroxisomal enzyme deficiency. Last evaluated: 2022-05-23. Review status: criteria provided, single submitter. Criteria: Invitae Variant Classification Sherloc (09022015). Collection method: clinical testing. Allele origin: germline.
Comment: This sequence change replaces glycine, which is neutral and non-polar, with aspartic acid, which is acidic and polar, at codon 682 of the HSD17B4 protein (p.Gly682Asp). This variant is present in population databases (no rsID available, gnomAD 0.0009%). This variant has not been reported in the literature in individuals affected with HSD17B4-related conditions. Advanced modeling of protein sequence and biophysical properties (such as structural, functional, and spatial information, amino acid conservation, physicochemical variation, residue mobility, and thermodynamic stability) performed at Invitae indicates that this missense variant is not expected to disrupt HSD17B4 protein function. In summary, the available evidence is currently insufficient to determine the role of this variant in disease. Therefore, it has been classified as a Variant of Uncertain Significance.

NM_000414.4(HSD17B4):c.2045G>A (p.Gly682Asp)

Gene: HSD17B4 (hydroxysteroid 17-beta dehydrogenase 4; plus strand). Cytogenetic location: 5q23.1.
Variant type: single nucleotide variant.
Coding change: c.2045G>A on transcript NM_000414.4 (MANE Select); coding-DNA position 2045, G replaced by A.
Protein change: p.Gly682Asp; replaces glycine 682 with aspartic acid.
Molecular consequence: missense variant. On other transcripts: non-coding transcript variant (2).
Genome position (GRCh38, 1-based): chr5:119,536,474, G>A. VCF-style: chr5-119536474-G-A. GRCh37 (hg19) VCF-style: chr5-118872169-G-A.
Other names: c.2120G>A, p.Gly707Asp (NM_001199291.3); c.1991G>A, p.Gly664Asp (NM_001199292.2); c.1973G>A, p.Gly658Asp (NM_001292027.2, NM_001374498.1); c.1625G>A, p.Gly542Asp (NM_001292028.2); c.2036G>A, p.Gly679Asp (NM_001374497.1); c.1718G>A, p.Gly573Asp (NM_001374499.1); c.1604G>A, p.Gly535Asp (NM_001374500.1); c.1634G>A, p.Gly545Asp (NM_001374501.1, NM_001374502.1, NM_001374503.1); and 1 more; short protein forms G679D, G542D, G658D, G535D, G545D, G664D, G682D, G707D.
Identifiers: ClinVar variation 2179726 (VCV002179726.2), dbSNP rs1438355565, ClinGen allele CA360872013.